The following is an entry in ClinVar:

ClinVar aggregate classification (germline): Likely benign. Review status: criteria provided, multiple submitters, no conflicts (2 of 4 stars). 2 submissions from 2 submitters: Likely benign (2). Last evaluated 2023-01-01.

Allele frequency attached by ClinVar (database versions not stated): ExAC 0.00009; TOPMed 0.00015; gnomAD 0.00017.
gnomAD v4.1: 267 of 1,614,152 alleles (0.017%); highest among the groups gnomAD compares: Non-Finnish European, 0.021%; no homozygotes.

Submissions (2):

CeGaT Center for Human Genetics Tuebingen
Classification: Likely benign. Last evaluated: 2023-01-01. Review status: criteria provided, single submitter. Criteria: CeGaT Center For Human Genetics Tuebingen Variant Classification Criteria Version 2. Collection method: clinical testing. Allele origin: germline. Affected: yes. Observed: 1 variant allele.
Comment: EPHB6: BP4

Ambry Genetics
Classification: Likely benign. Last evaluated: 2021-07-20. Review status: criteria provided, single submitter. Criteria: Ambry Variant Classification Scheme 2023. Collection method: clinical testing. Allele origin: germline.

NM_004445.6(EPHB6):c.2714G>A (p.Arg905Gln)

Gene: EPHB6 (EPH receptor B6; plus strand). Cytogenetic location: 7q34.
Variant type: single nucleotide variant.
Coding change: c.2714G>A on transcript NM_004445.6 (MANE Select); coding-DNA position 2714, G replaced by A.
Protein change: p.Arg905Gln; replaces arginine 905 with glutamine.
Molecular consequence: missense variant. On other transcripts: non-coding transcript variant (1).
Genome position (GRCh38, 1-based): chr7:142,870,317, G>A. VCF-style: chr7-142870317-G-A. GRCh37 (hg19) VCF-style: chr7-142568070-G-A.
Other names: c.1835G>A, p.Arg612Gln (NM_001280794.3, NM_001280795.2); short protein forms R612Q, R905Q.
Identifiers: ClinVar variation 2270793 (VCV002270793.26), dbSNP rs767297199, ClinGen allele CA4532133.